The following is an entry in ClinVar:

ClinVar aggregate classification (germline): Uncertain significance. Review status: criteria provided, multiple submitters, no conflicts (2 of 4 stars). 3 submissions from 3 submitters: Uncertain significance (3). Last evaluated 2024-12-15.

Conditions:
Hereditary cancer-predisposing syndrome. Also called: Neoplastic Syndromes, Hereditary; Hereditary Cancer Syndrome; Tumor predisposition; Hereditary neoplastic syndrome. Identifiers: Orphanet 140162, MedGen C0027672, MeSH D009386, MONDO:0015356.
Familial adenomatous polyposis 1 (FAP1). Also called: FAMILIAL ADENOMATOUS POLYPOSIS 1, ATTENUATED; POLYPOSIS, ADENOMATOUS INTESTINAL. Identifiers: MedGen C2713442, MONDO:0021056, OMIM 175100. Disease mechanism: loss of function.

gnomAD v4.1: 2 of 1,614,104 alleles (0.00012%); highest among the groups gnomAD compares: Non-Finnish European, 0.00017%; no homozygotes.

Submissions (3):

Ambry Genetics
Classification: Uncertain significance for Hereditary cancer-predisposing syndrome. Last evaluated: 2024-12-15. Review status: criteria provided, single submitter. Criteria: Ambry Variant Classification Scheme 2023. Collection method: clinical testing. Allele origin: germline.
Comment: The p.F1197L variant (also known as c.3591C>G), located in coding exon 15 of the APC gene, results from a C to G substitution at nucleotide position 3591. The phenylalanine at codon 1197 is replaced by leucine, an amino acid with highly similar properties. This amino acid position is conserved. In addition, in silico predictors for this gene do not accurately predict pathogenicity. Based on the available evidence, the clinical significance of this variant remains unclear.

Labcorp Genetics (formerly Invitae), Labcorp
Classification: Uncertain significance for Familial adenomatous polyposis 1. Last evaluated: 2024-09-12. Review status: criteria provided, single submitter. Criteria: Invitae Variant Classification Sherloc (09022015). Collection method: clinical testing. Allele origin: germline.
Comment: This sequence change replaces phenylalanine, which is neutral and non-polar, with leucine, which is neutral and non-polar, at codon 1197 of the APC protein (p.Phe1197Leu). This variant is not present in population databases (gnomAD no frequency). This variant has not been reported in the literature in individuals affected with APC-related conditions. ClinVar contains an entry for this variant (Variation ID: 1037676). Invitae Evidence Modeling of protein sequence and biophysical properties (such as structural, functional, and spatial information, amino acid conservation, physicochemical variation, residue mobility, and thermodynamic stability) indicates that this missense variant is not expected to disrupt APC protein function with a negative predictive value of 95%. In summary, the available evidence is currently insufficient to determine the role of this variant in disease. Therefore, it has been classified as a Variant of Uncertain Significance.

Color Diagnostics, LLC DBA Color Health
Classification: Uncertain significance for Hereditary cancer-predisposing syndrome. Last evaluated: 2022-12-05. Review status: criteria provided, single submitter. Criteria: ACMG Guidelines, 2015. Collection method: clinical testing. Allele origin: germline.
Comment: This missense variant replaces phenylalanine with leucine at codon 1197 of the APC protein. Computational prediction suggests that this variant may not impact protein structure and function (internally defined REVEL score threshold <= 0.5, PMID: 27666373). To our knowledge, functional studies have not been reported for this variant. This variant has not been reported in individuals affected with APC-related disorders in the literature. This variant has not been identified in the general population by the Genome Aggregation Database (gnomAD). The available evidence is insufficient to determine the role of this variant in disease conclusively. Therefore, this variant is classified as a Variant of Uncertain Significance.

NM_000038.6(APC):c.3591C>G (p.Phe1197Leu)

Gene: APC (APC regulator of Wnt signaling pathway; plus strand). Cytogenetic location: 5q22.2.
Variant type: single nucleotide variant.
Coding change: c.3591C>G on transcript NM_000038.6 (MANE Select); coding-DNA position 3591, C replaced by G.
Protein change: p.Phe1197Leu; replaces phenylalanine 1197 with leucine.
Molecular consequence: missense variant.
Genome position (GRCh38, 1-based): chr5:112,839,185, C>G. VCF-style: chr5-112839185-C-G. GRCh37 (hg19) VCF-style: chr5-112174882-C-G.
Other names: c.3591C>G, p.Phe1197Leu (NM_001127510.3, NM_001354895.2); c.3537C>G, p.Phe1179Leu (NM_001127511.3); c.3645C>G, p.Phe1215Leu (NM_001354896.2); c.3621C>G, p.Phe1207Leu (NM_001354897.2); c.3516C>G, p.Phe1172Leu (NM_001354898.2); c.3507C>G, p.Phe1169Leu (NM_001354899.2); c.3468C>G, p.Phe1156Leu (NM_001354900.2); c.3414C>G, p.Phe1138Leu (NM_001354901.2); and 6 more; short protein forms F1071L, F1172L, F914L, F1037L, F1106L, F1156L, F1207L, F1096L.
Identifiers: ClinVar variation 1037676 (VCV001037676.12), dbSNP rs1765464418, ClinGen allele CA16029222.
Genomic context (GRCh38, chr5:112,839,185, plus strand): 5'-TGATTATAGTTTAAAATATGCCACAGATATTCCTTCATCACAGAAACAGTCATTTTCATT[C>G]TCAAAGAGTTCATCTGGACAAAGCAGTAAAACCGAACATATGTCTTCAAGCAGTGAGAAT-3'
Protein context (NP_000029.2, residues 1187-1207): IPSSQKQSFS[Phe1197Leu]SKSSSGQSSK